The following is an entry in ClinVar:

NM_001199267.2(DGKZ):c.162-1007C>T

Gene: DGKZ (diacylglycerol kinase zeta; plus strand). Cytogenetic location: 11p11.2.
Variant type: single nucleotide variant.
Coding change: c.162-1007C>T on transcript NM_001199267.2 (MANE Select); 1007 bases into the intron before coding-DNA position 162, C replaced by T.
Molecular consequence: intron variant. On other transcripts: missense variant (1).
Genome position (GRCh38, 1-based): chr11:46,366,284, C>T. VCF-style: chr11-46366284-C-T. GRCh37 (hg19) VCF-style: chr11-46387834-C-T.
Other names: c.28C>T (NM_001105540.1); c.28C>T, p.Arg10Trp (NM_001105540.2); c.213-1007C>T (NM_201532.3); c.177-1007C>T (NM_201533.3); c.162-1007C>T (NM_001199266.2, NM_003646.4, NM_001199268.2); short protein forms R10W.
Identifiers: ClinVar variation 1431476 (VCV001431476.9), dbSNP rs376212984, ClinGen allele CA5962046.

ClinVar aggregate classification (germline): Uncertain significance. Review status: criteria provided, multiple submitters, no conflicts (2 of 4 stars). 3 submissions from 3 submitters: Uncertain significance (3). Last evaluated 2025-10-23.

Allele frequency attached by ClinVar (database versions not stated): ExAC 0.00001; gnomAD exomes 0.00002 and 0.00003; gnomAD 0.00005; TOPMed 0.00006; ESP Exome Variant Server 0.00009.
gnomAD v4.1: 44 of 1,583,270 alleles (0.0028%); highest among the groups gnomAD compares: Middle Eastern, 0.034%; 1 homozygote.

Submissions (3):

Ambry Genetics
Classification: Uncertain significance. Last evaluated: 2025-10-23. Review status: criteria provided, single submitter. Criteria: Ambry Variant Classification Scheme 2023. Collection method: clinical testing. Allele origin: germline.

Labcorp Genetics (formerly Invitae), Labcorp
Classification: Uncertain significance. Last evaluated: 2022-10-31. Review status: criteria provided, single submitter. Criteria: Invitae Variant Classification Sherloc (09022015). Collection method: clinical testing. Allele origin: germline.
Comment: In summary, the available evidence is currently insufficient to determine the role of this variant in disease. Therefore, it has been classified as a Variant of Uncertain Significance. Algorithms developed to predict the effect of missense changes on protein structure and function are either unavailable or do not agree on the potential impact of this missense change (SIFT: "Deleterious"; PolyPhen-2: "Benign"; Align-GVGD: "Class C0"). ClinVar contains an entry for this variant (Variation ID: 1431476). This variant has not been reported in the literature in individuals affected with DGKZ-related conditions. The frequency data for this variant in the population databases is considered unreliable, as metrics indicate poor data quality at this position in the gnomAD database. This sequence change replaces arginine, which is basic and polar, with tryptophan, which is neutral and slightly polar, at codon 10 of the DGKZ protein (p.Arg10Trp).

Breakthrough Genomics
Classification: Uncertain significance. Review status: criteria provided, single submitter. Criteria: ACMG Guidelines, 2015. Collection method: not provided. Allele origin: germline. Inheritance: Unknown mechanism. Affected: yes.